The following is an entry in ClinVar:

ClinVar aggregate classification (germline): Uncertain significance (1 of 4 stars; one submission).

Conditions:
Peripheral neuropathy. Also called: Neuropathy. Identifiers: MedGen C0031117, MONDO:0005244, HP:0009830.

Allele frequency attached by ClinVar (database versions not stated): gnomAD exomes below 0.00001 and 0.00001; TOPMed below 0.00001; ExAC 0.00002; gnomAD 0.00003 and 0.00004.
gnomAD v4.1: 13 of 1,605,226 alleles (0.00081%); highest among the groups gnomAD compares: East Asian, 0.0022%; no homozygotes.

Submission:

Labcorp Genetics (formerly Invitae), Labcorp
Classification: Uncertain significance for Peripheral neuropathy. Last evaluated: 2020-02-10. Review status: criteria provided, single submitter. Criteria: Invitae Variant Classification Sherloc (09022015). Collection method: clinical testing. Allele origin: germline.
Comment: This variant is present in population databases (rs757351313, ExAC 0.003%). This variant has not been reported in the literature in individuals with FLRT1-related conditions. Algorithms developed to predict the effect of missense changes on protein structure and function are either unavailable or do not agree on the potential impact of this missense change (SIFT: "Deleterious"; PolyPhen-2: "Probably Damaging"; Align-GVGD: "Class C0"). Algorithms developed to predict the effect of sequence changes on RNA splicing suggest that this variant may create or strengthen a splice site, but this prediction has not been confirmed by published transcriptional studies. In summary, the available evidence is currently insufficient to determine the role of this variant in disease. Therefore, it has been classified as a Variant of Uncertain Significance. This sequence change replaces arginine with glutamine at codon 659 of the FLRT1 protein (p.Arg659Gln). The arginine residue is highly conserved and there is a small physicochemical difference between arginine and glutamine.

NM_013280.5(FLRT1):c.1976G>A (p.Arg659Gln)

Genes: FLRT1 (fibronectin leucine rich transmembrane protein 1; plus strand), MACROD1 (mono-ADP ribosylhydrolase 1; minus strand). Cytogenetic location: 11q13.1.
Variant type: single nucleotide variant.
Coding change: c.1976G>A on transcript NM_013280.5 (MANE Select); coding-DNA position 1976, G replaced by A.
Protein change: p.Arg659Gln; replaces arginine 659 with glutamine.
Molecular consequence: missense variant. On other transcripts: intron variant (2).
Genome position (GRCh38, 1-based): chr11:64,118,243, G>A. VCF-style: chr11-64118243-G-A. GRCh37 (hg19) VCF-style: chr11-63885715-G-A.
Other names: c.1976G>A, p.Arg659Gln (NM_001384466.1); c.1892G>A, p.Arg631Gln (NM_001423967.1); c.517+32996C>T (NM_001411019.1, NM_014067.4); short protein forms R659Q, R631Q.
Identifiers: ClinVar variation 1016606 (VCV001016606.8), dbSNP rs757351313, ClinGen allele CA6067847.